The following is an entry in ClinVar:

ClinVar aggregate classification (germline): Uncertain significance (1 of 4 stars; one submission).

Submission:

GeneDx
Classification: Uncertain significance. Last evaluated: 2026-03-18. Review status: criteria provided, single submitter. Criteria: GeneDx Variant Classification Process June 2021. Collection method: clinical testing. Allele origin: germline.
Comment: Not observed at significant frequency in large population cohorts (gnomAD); In silico analysis supports that this missense variant has a deleterious effect on protein structure/function; Has not been previously published as pathogenic or benign to our knowledge

NM_032217.5(ANKRD17):c.602T>C (p.Leu201Pro)

Gene: ANKRD17 (ankyrin repeat domain 17; minus strand). Cytogenetic location: 4q13.3.
Variant type: single nucleotide variant.
Coding change: c.602T>C on transcript NM_032217.5 (MANE Select); coding-DNA position 602, T replaced by C.
Protein change: p.Leu201Pro; replaces leucine 201 with proline.
Molecular consequence: missense variant.
Genome position (GRCh38, 1-based): chr4:73,161,294, A>G on the plus strand (T>C on the coding strand, the complement: ANKRD17 is on the minus strand). VCF-style: chr4-73161294-A-G. GRCh37 (hg19) VCF-style: chr4-74027011-A-G.
Other names: c.263T>C, p.Leu88Pro (NM_001286771.3); c.602T>C, p.Leu201Pro (NM_015574.2, NM_198889.3); short protein forms L201P, L88P.
Identifiers: ClinVar variation 3897116 (VCV003897116.2).